The following is an entry in ClinVar:

NM_018297.4(NGLY1):c.1003+2T>C

Gene: NGLY1 (N-glycanase 1; minus strand). Cytogenetic location: 3p24.2.
Variant type: single nucleotide variant.
Coding change: c.1003+2T>C on transcript NM_018297.4 (MANE Select); the canonical splice donor site of the intron after coding-DNA position 1003, T replaced by C.
Molecular consequence: splice donor variant.
Genome position (GRCh38, 1-based): chr3:25,737,332, A>G on the plus strand (T>C on the coding strand, the complement: NGLY1 is on the minus strand). VCF-style: chr3-25737332-A-G. GRCh37 (hg19) VCF-style: chr3-25778823-A-G.
Other names: c.877+2T>C (NM_001145294.2); c.1003+2T>C (NM_001145295.2, NM_001145293.2).
Identifiers: ClinVar variation 2809760 (VCV002809760.3), dbSNP rs2470542595, ClinGen allele CA351901705.

ClinVar aggregate classification (germline): Likely pathogenic (1 of 4 stars; one submission).

Conditions:
Congenital disorder of deglycosylation (CDDG). Identifiers: MedGen C3808991, MONDO:0031376.

Submission:

Labcorp Genetics (formerly Invitae), Labcorp
Classification: Likely pathogenic for Congenital disorder of deglycosylation. Last evaluated: 2024-01-04. Review status: criteria provided, single submitter. Criteria: Invitae Variant Classification Sherloc (09022015). Collection method: clinical testing. Allele origin: germline.
Comment: This sequence change affects a donor splice site in intron 6 of the NGLY1 gene. It is expected to disrupt RNA splicing. Variants that disrupt the donor or acceptor splice site typically lead to a loss of protein function (PMID: 16199547), and loss-of-function variants in NGLY1 are known to be pathogenic (PMID: 24651605). This variant is not present in population databases (gnomAD no frequency). This variant has not been reported in the literature in individuals affected with NGLY1-related conditions. Algorithms developed to predict the effect of sequence changes on RNA splicing suggest that this variant may disrupt the consensus splice site. In summary, the currently available evidence indicates that the variant is pathogenic, but additional data are needed to prove that conclusively. Therefore, this variant has been classified as Likely Pathogenic.

Literature cited by the submitters: PubMed 16199547; PubMed 24651605.